The following is an entry in ClinVar:

NM_001165963.4(SCN1A):c.4044G>C (p.Met1348Ile)

Genes: SCN1A (sodium voltage-gated channel alpha subunit 1; minus strand), LOC102724058 (uncharacterized LOC102724058; plus strand). Cytogenetic location: 2q24.3.
Variant type: single nucleotide variant.
Coding change: c.4044G>C on transcript NM_001165963.4 (MANE Select); coding-DNA position 4044, G replaced by C.
Protein change: p.Met1348Ile; replaces methionine 1348 with isoleucine.
Molecular consequence: missense variant. On other transcripts: non-coding transcript variant (1).
Genome position (GRCh38, 1-based): chr2:166,002,712, C>G on the plus strand (G>C on the coding strand, the complement: SCN1A is on the minus strand). VCF-style: chr2-166002712-C-G. GRCh37 (hg19) VCF-style: chr2-166859222-C-G.
Other names: c.3960G>C, p.Met1320Ile (NM_001165964.3, NM_001353957.2, NM_001353958.2); c.4044G>C, p.Met1348Ile (NM_001202435.3, NM_001353948.2); c.4011G>C, p.Met1337Ile (NM_001353949.2, NM_001353950.2, NM_001353951.2 and 2 more transcripts); c.4008G>C, p.Met1336Ile (NM_001353954.2, NM_001353955.2); c.3957G>C, p.Met1319Ile (NM_001353960.2); c.1602G>C, p.Met534Ile (NM_001353961.2); short protein forms M1337I, M1348I, M1319I, M1336I, M534I, M1320I.
Identifiers: ClinVar variation 429551 (VCV000429551.7), dbSNP rs794726822, ClinGen allele CA59769826.

ClinVar aggregate classification (germline): Pathogenic/Likely pathogenic. Review status: criteria provided, multiple submitters, no conflicts (2 of 4 stars). 2 submissions from 2 submitters: Pathogenic (1); Likely pathogenic (1). Last evaluated 2025-03-27.

Conditions:
Developmental and epileptic encephalopathy 6B. Also called: Developmental and epileptic encephalopathy 6B, non-Dravet. Identifiers: MedGen C5543353, MONDO:0030268, OMIM 619317.

Allele frequency attached by ClinVar (database versions not stated): gnomAD exomes below 0.00001; TOPMed 0.00001.

Submissions (2):

GeneDx
Classification: Likely pathogenic. Last evaluated: 2025-03-27. Review status: criteria provided, single submitter. Criteria: GeneDx Variant Classification Process June 2021. Collection method: clinical testing. Allele origin: germline. Affected: yes.
Comment: Not observed at significant frequency in large population cohorts (gnomAD); In silico analysis supports that this missense variant has a deleterious effect on protein structure/function; Has not been previously published as pathogenic or benign to our knowledge; This substitution is predicted to be within the transmembrane segment S5 of the third homologous domain

Institute of Human Genetics, University of Leipzig Medical Center
Classification: Pathogenic for Developmental and epileptic encephalopathy 6B. Last evaluated: 2024-08-05. Review status: criteria provided, single submitter. Criteria: ACMG Guidelines, 2015. Collection method: clinical testing. Allele origin: paternal. Inheritance: Autosomal dominant inheritance. Affected: yes.
Comment: Criteria applied: PS1,PM1,PM2,PM5_SUP,PP3